The following is an entry in ClinVar:

NM_000222.3(KIT):c.35G>C (p.Cys12Ser)

Gene: KIT (KIT proto-oncogene, receptor tyrosine kinase; plus strand). Cytogenetic location: 4q12.
Variant type: single nucleotide variant.
Coding change: c.35G>C on transcript NM_000222.3 (MANE Select); coding-DNA position 35, G replaced by C.
Protein change: p.Cys12Ser; replaces cysteine 12 with serine.
Molecular consequence: missense variant.
Genome position (GRCh38, 1-based): chr4:54,658,049, G>C. VCF-style: chr4-54658049-G-C. GRCh37 (hg19) VCF-style: chr4-55524216-G-C.
Other names: c.35G>C, p.Cys12Ser (NM_001093772.2, NM_001385284.1, NM_001385285.1 and 4 more transcripts); short protein forms C12S.
Identifiers: ClinVar variation 842355 (VCV000842355.10), dbSNP rs1716941861, ClinGen allele CA356897943.

ClinVar aggregate classification (germline): Uncertain significance (1 of 4 stars; one submission).

Conditions:
Gastrointestinal stromal tumor. Also called: Gastrointestinal stromal tumor, somatic; Gastrointestinal stroma tumor. Identifiers: Orphanet 44890, MedGen C0238198, MeSH D046152, MONDO:0011719, OMIM 606764, HP:0100723.

Submission:

Labcorp Genetics (formerly Invitae), Labcorp
Classification: Uncertain significance for Gastrointestinal stromal tumor. Last evaluated: 2020-03-18. Review status: criteria provided, single submitter. Criteria: Invitae Variant Classification Sherloc (09022015). Collection method: clinical testing. Allele origin: germline.
Comment: In summary, the available evidence is currently insufficient to determine the role of this variant in disease. Therefore, it has been classified as a Variant of Uncertain Significance. This sequence change replaces cysteine with serine at codon 12 of the KIT protein (p.Cys12Ser). The cysteine residue is moderately conserved and there is a moderate physicochemical difference between cysteine and serine. This variant is not present in population databases (ExAC no frequency). This variant has not been reported in the literature in individuals with KIT-related conditions. Algorithms developed to predict the effect of missense changes on protein structure and function output the following: SIFT: "Tolerated"; PolyPhen-2: "Benign"; Align-GVGD: "Class C0". The serine amino acid residue is found in multiple mammalian species, suggesting that this missense change does not adversely affect protein function. These predictions have not been confirmed by published functional studies and their clinical significance is uncertain.